The following is an entry in ClinVar:

ClinVar aggregate classification (germline): Likely pathogenic (1 of 4 stars; one submission).

Conditions:
Intellectual disability-severe speech delay-mild dysmorphism syndrome (IDDLA). Also called: Mental retardation with language impairment and autistic features; Intellectual developmental disorder with language impairment AND with or without autistic features; FOXP1 Syndrome. Identifiers: Orphanet 391372, MedGen C4013764, MONDO:0013352, OMIM 613670.

Submission:

Institute of Human Genetics, University of Leipzig Medical Center
Classification: Likely pathogenic for Intellectual disability-severe speech delay-mild dysmorphism syndrome. Last evaluated: 2026-02-09. Review status: criteria provided, single submitter. Criteria: ACMG Guidelines, 2015. Collection method: clinical testing. Allele origin: de novo. Inheritance: Autosomal dominant inheritance. Affected: yes.
Comment: Criteria applied: PM2,PS1_SUP,PS2_MOD,PP3

NM_001349338.3(FOXP1):c.1351G>C (p.Asp451His)

Gene: FOXP1 (forkhead box P1; minus strand). Cytogenetic location: 3p13.
Variant type: single nucleotide variant.
Coding change: c.1351G>C on transcript NM_001349338.3 (MANE Select); coding-DNA position 1351, G replaced by C.
Protein change: p.Asp451His; replaces aspartic acid 451 with histidine.
Molecular consequence: missense variant. On other transcripts: non-coding transcript variant (2), splice acceptor variant (2).
Genome position (GRCh38, 1-based): chr3:70,977,720, C>G on the plus strand (G>C on the coding strand, the complement: FOXP1 is on the minus strand). VCF-style: chr3-70977720-C-G. GRCh37 (hg19) VCF-style: chr3-71026871-C-G.
Other names: c.1351G>C, p.Asp451His (NM_001244810.2, NM_001244814.3, NM_001244816.2 and 2 more transcripts); c.1123G>C, p.Asp375His (NM_001244812.3); c.1051G>C, p.Asp351His (NM_001244813.3, NM_001244815.2, NM_001349342.3); c.1048G>C, p.Asp350His (NM_001349337.2, NM_001349343.3, NM_001349344.3); c.1348G>C, p.Asp450His (NM_001349341.3); c.1349-1G>C (NM_001244808.3); c.1049-1G>C (NM_001370548.1); short protein forms D350H, D351H, D375H, D450H, D451H.
Identifiers: ClinVar variation 4819136 (VCV004819136.1).